The following is an entry in ClinVar:

NC_000005.10:g.(?_128318139)_(128319011_?)dup

Gene: FBN2 (fibrillin 2; minus strand). Cytogenetic location: 5q23.3.
Variant type: Duplication.
Identifiers: ClinVar variation 832113 (VCV000832113.7).

ClinVar aggregate classification (germline): Uncertain significance (1 of 4 stars; one submission).

Conditions:
Congenital contractural arachnodactyly (CCA). Also called: BEALS SYNDROME; Beals-Hecht syndrome; Arthrogryposis, distal, type 9. Identifiers: Orphanet 115, MedGen C0220668, MONDO:0007363, OMIM 121050.

Submission:

Labcorp Genetics (formerly Invitae), Labcorp
Classification: Uncertain significance for Congenital contractural arachnodactyly. Last evaluated: 2019-09-12. Review status: criteria provided, single submitter. Criteria: Invitae Variant Classification Sherloc (09022015). Collection method: clinical testing. Allele origin: germline.
Comment: This variant results in a copy number gain of the genomic region encompassing exons 35-36 of the FBN2 gene. While the exact position of this variant cannot be determined from this data, sub-genic copy number gains are generally in tandem (PMID: 25640679). This variant would be expected to be in-frame, preserving the integrity of the reading frame. This variant has not been reported in the literature in individuals with FBN2-related conditions. Experimental studies and prediction algorithms are not available or were not evaluated for this variant, and the functional significance of this variant is currently unknown. In summary, the available evidence is currently insufficient to determine the role of this variant in disease. Therefore, it has been classified as a Variant of Uncertain Significance.

Literature cited by the submitters: PubMed 25640679.